The following is an entry in ClinVar:

NM_001852.4(COL9A2):c.194A>C (p.Lys65Thr)

Gene: COL9A2 (collagen type IX alpha 2 chain; minus strand). Cytogenetic location: 1p34.2.
Variant type: single nucleotide variant.
Coding change: c.194A>C on transcript NM_001852.4 (MANE Select); coding-DNA position 194, A replaced by C.
Protein change: p.Lys65Thr; replaces lysine 65 with threonine.
Molecular consequence: missense variant.
Genome position (GRCh38, 1-based): chr1:40,314,260, T>G on the plus strand (A>C on the coding strand, the complement: COL9A2 is on the minus strand). VCF-style: chr1-40314260-T-G. GRCh37 (hg19) VCF-style: chr1-40779932-T-G.
Other names: short protein forms K65T.
Identifiers: ClinVar variation 2760466 (VCV002760466.3), dbSNP rs756634659, ClinGen allele CA339858564.

ClinVar aggregate classification (germline): Uncertain significance (1 of 4 stars; one submission).

Submission:

Labcorp Genetics (formerly Invitae), Labcorp
Classification: Uncertain significance. Last evaluated: 2024-06-10. Review status: criteria provided, single submitter. Criteria: Invitae Variant Classification Sherloc (09022015). Collection method: clinical testing. Allele origin: germline.
Comment: This sequence change replaces lysine, which is basic and polar, with threonine, which is neutral and polar, at codon 65 of the COL9A2 protein (p.Lys65Thr). This variant is not present in population databases (gnomAD no frequency). This variant has not been reported in the literature in individuals affected with COL9A2-related conditions. Advanced modeling of protein sequence and biophysical properties (such as structural, functional, and spatial information, amino acid conservation, physicochemical variation, residue mobility, and thermodynamic stability) performed at Invitae indicates that this missense variant is not expected to disrupt COL9A2 protein function with a negative predictive value of 95%. In summary, the available evidence is currently insufficient to determine the role of this variant in disease. Therefore, it has been classified as a Variant of Uncertain Significance.